The following is an entry in ClinVar:

ClinVar aggregate classification (germline): Conflicting classifications of pathogenicity. Review status: criteria provided, conflicting classifications (1 of 4 stars). 8 submissions from 8 submitters: Uncertain significance (3); Likely benign (4). 1 of the submissions does not count toward it. Last evaluated 2026-07-01.

Conditions:
PYCR1-related disorder. Also called: PYCR1-related condition.
Cutis laxa. Identifiers: Orphanet 209, MedGen C0010495, MONDO:0016175, HP:0000973.
Autosomal recessive cutis laxa type 2B (ARCL2B). Also called: CUTIS LAXA, AUTOSOMAL RECESSIVE, TYPE IIB; CUTIS LAXA WITH PROGEROID FEATURES. Identifiers: Orphanet 357064, MedGen C2751987, MONDO:0013051, OMIM 612940. Disease mechanism: loss of function.
PYCR1-related de Barsy syndrome. Also called: CUTIS LAXA, AUTOSOMAL RECESSIVE, TYPE IIIB; DE BARSY SYNDROME B. Identifiers: Orphanet 293633, Orphanet 2962, MedGen C3280799, MONDO:0013755, OMIM 614438.

Allele frequency attached by ClinVar (database versions not stated): 1000 Genomes Project 30x 0.00031; 1000 Genomes Project 0.00040; TOPMed 0.00076; gnomAD exomes 0.00083; ExAC 0.00091; gnomAD 0.00097 and 0.00100; ESP Exome Variant Server 0.00108.
gnomAD v4.1: 2,436 of 1,607,872 alleles (0.15%); highest among the groups gnomAD compares: Non-Finnish European, 0.19%; 5 homozygotes.

Submissions (8):

CeGaT Center for Human Genetics Tuebingen
Classification: Likely benign. Last evaluated: 2026-07-01. Review status: criteria provided, single submitter. Criteria: CeGaT Center For Human Genetics Tuebingen Variant Classification Criteria Version 2. Collection method: clinical testing. Allele origin: germline. Affected: yes. Observed: 7 variant alleles.
Comment: PYCR1: BP4

Labcorp Genetics (formerly Invitae), Labcorp
Classification: Likely benign. Last evaluated: 2026-02-02. Review status: criteria provided, single submitter. Criteria: Invitae Variant Classification Sherloc (09022015). Collection method: clinical testing. Allele origin: germline.

Blueprint Genetics
Classification: Likely benign. Last evaluated: 2024-11-11. Review status: criteria provided, single submitter. Criteria: ACMG Guidelines, 2015. Collection method: clinical testing. Allele origin: germline.

GeneDx
Classification: Likely benign. Last evaluated: 2020-11-20. Review status: criteria provided, single submitter. Criteria: GeneDx Variant Classification Process June 2021. Collection method: clinical testing. Allele origin: germline. Affected: yes.

Fulgent Genetics
Classification: Uncertain significance for Autosomal recessive cutis laxa type 2B; PYCR1-related de Barsy syndrome. Last evaluated: 2018-10-31. Review status: criteria provided, single submitter. Criteria: ACMG Guidelines, 2015. Collection method: clinical testing. Allele origin: unknown.

Illumina Laboratory Services, Illumina
Classification: Uncertain significance for Cutis laxa. Last evaluated: 2018-01-12. Review status: criteria provided, single submitter. Criteria: ICSL Variant Classification Criteria 13 December 2019. Collection method: clinical testing. Allele origin: germline.

Eurofins Ntd Llc (ga)
Classification: Uncertain significance. Last evaluated: 2015-09-11. Review status: criteria provided, single submitter. Criteria: EGL Classification Definitions 2015. Collection method: clinical testing. Allele origin: germline. Observed: 1 variant allele, 1 heterozygote.

PreventionGenetics, part of Exact Sciences
Classification: Likely benign for PYCR1-related condition. Last evaluated: 2024-07-03. Review status: no assertion criteria provided. Collection method: clinical testing. Allele origin: germline. Not counted in ClinVar's aggregate classification.
Comment: This variant is classified as likely benign based on ACMG/AMP sequence variant interpretation guidelines (Richards et al. 2015 PMID: 25741868, with internal and published modifications).

NM_006907.4(PYCR1):c.334C>T (p.Arg112Trp)

Gene: PYCR1 (pyrroline-5-carboxylate reductase 1; minus strand). Cytogenetic location: 17q25.3.
Variant type: single nucleotide variant.
Coding change: c.334C>T on transcript NM_006907.4 (MANE Select); coding-DNA position 334, C replaced by T.
Protein change: p.Arg112Trp; replaces arginine 112 with tryptophan.
Molecular consequence: missense variant.
Genome position (GRCh38, 1-based): chr17:81,935,132, G>A on the plus strand (C>T on the coding strand, the complement: PYCR1 is on the minus strand). VCF-style: chr17-81935132-G-A. GRCh37 (hg19) VCF-style: chr17-79893008-G-A.
Other names: c.334C>T, p.Arg112Trp (NM_001282279.2, NM_001282280.2, NM_001330523.2 and 1 more transcripts); c.415C>T, p.Arg139Trp (NM_001282281.2); short protein forms R112W, R139W.
Identifiers: ClinVar variation 282265 (VCV000282265.64), dbSNP rs147653673, ClinGen allele CA8845466.
Genomic context (GRCh38, chr17:81,935,132, plus strand): 5'-CCCCCTCCCGCACCACGACTGGAGTGTTGGTCATGCAGCGGATGACCCTGGGGGCTGGCC[G>A]AAACGCTGACAGCTTCTGGAAGAGAAACCAGCGTGTCCGTCTGGCCATGGACGCAGTGCC-3'
Protein context (NP_008838.2, residues 102-122): SSIEKKLSAF[Arg112Trp]PAPRVIRCMT